The following is an entry in ClinVar:

ClinVar aggregate classification (germline): Uncertain significance. Review status: criteria provided, multiple submitters, no conflicts (2 of 4 stars). 3 submissions from 3 submitters: Uncertain significance (3). Last evaluated 2025-11-17.

Conditions:
Cardiovascular phenotype. Identifiers: MedGen CN230736.
CACNA1C-related disorder. Also called: CACNA1C-related condition; CACNA1C-related disorders. Identifiers: MedGen CN381092, MONDO:0700321.
Long QT syndrome (LQTS). Identifiers: MedGen C0023976, MeSH D008133, MONDO:0002442. Disease mechanism: loss of function. Inheritance: Various modes of inheritance.

gnomAD v4.1: 4 of 1,613,264 alleles (0.00025%); highest among the groups gnomAD compares: East Asian, 0.0022%; no homozygotes.

Submissions (3):

Labcorp Genetics (formerly Invitae), Labcorp
Classification: Uncertain significance for Long QT syndrome. Last evaluated: 2025-11-17. Review status: criteria provided, single submitter. Criteria: Invitae Variant Classification Sherloc (09022015). Collection method: clinical testing. Allele origin: germline.
Comment: This sequence change replaces arginine, which is basic and polar, with serine, which is neutral and polar, at codon 888 of the CACNA1C protein (p.Arg888Ser). This variant is present in population databases (rs754046062, gnomAD 0.006%). This variant has not been reported in the literature in individuals affected with CACNA1C-related conditions. ClinVar contains an entry for this variant (Variation ID: 956311). An algorithm developed to predict the effect of missense changes on protein structure and function (PolyPhen-2) suggests that this variant is likely to be disruptive. In summary, the available evidence is currently insufficient to determine the role of this variant in disease. Therefore, it has been classified as a Variant of Uncertain Significance.

Ambry Genetics
Classification: Uncertain significance for Cardiovascular phenotype. Last evaluated: 2025-08-27. Review status: criteria provided, single submitter. Criteria: Ambry Variant Classification Scheme 2023. Collection method: clinical testing. Allele origin: germline.
Comment: The p.R888S variant (also known as c.2664G>C) is located in coding exon 20 of the CACNA1C gene. The arginine at codon 888 is replaced by serine, an amino acid with dissimilar properties. This change occurs in the first base pair of coding exon 20. This amino acid position is not well conserved in available vertebrate species. In addition, the in silico prediction for this alteration is inconclusive. Since supporting evidence is limited at this time, the clinical significance of this alteration remains unclear.

PreventionGenetics, part of Exact Sciences
Classification: Uncertain significance for CACNA1C-related condition. Last evaluated: 2022-08-19. Review status: criteria provided, single submitter. Criteria: ACMG Guidelines, 2015. Collection method: clinical testing. Allele origin: germline.
Comment: The CACNA1C c.2664G>C variant is predicted to result in the amino acid substitution p.Arg888Ser. To our knowledge, this variant has not been reported in the literature. This variant is reported in 0.0056% of alleles in individuals of East Asian descent in gnomAD. At this time, the clinical significance of this variant is uncertain due to the absence of conclusive functional and genetic evidence.

NM_000719.7(CACNA1C):c.2664G>C (p.Arg888Ser)

Gene: CACNA1C (calcium voltage-gated channel subunit alpha1 C; plus strand). Cytogenetic location: 12p13.33.
Variant type: single nucleotide variant.
Coding change: c.2664G>C on transcript NM_000719.7 (MANE Select); coding-DNA position 2664, G replaced by C.
Protein change: p.Arg888Ser; replaces arginine 888 with serine.
Molecular consequence: missense variant.
Genome position (GRCh38, 1-based): chr12:2,595,874, G>C. VCF-style: chr12-2595874-G-C. GRCh37 (hg19) VCF-style: chr12-2705040-G-C.
Other names: c.2664G>C, p.Arg888Ser (NM_001129827.2, NM_001129829.2, NM_001129830.3 and 18 more transcripts); c.2655G>C, p.Arg885Ser (NM_001129844.2); short protein forms R888S, R885S.
Identifiers: ClinVar variation 956311 (VCV000956311.11), dbSNP rs754046062, ClinGen allele CA6389037.
Genomic context (GRCh38, chr12:2,595,874, plus strand): 5'-ACTGGTGCTTCCCCTTGTCTGCCTTGACTTGTCTCTCCTCCTGTCCCCTCTCCCGTACAG[G>C]TTTCGCCTCCAGTGCCACCGCATTGTCAATGACACGATCTTCACCAACCTGATCCTCTTC-3'
Protein context (NP_000710.5, residues 878-898): SAFFIFSSNN[Arg888Ser]FRLQCHRIVN